The following is an entry in ClinVar:

NM_001283009.2(RTEL1):c.2142-3C>T

Genes: RTEL1 (regulator of telomere elongation helicase 1; plus strand), RTEL1-TNFRSF6B (RTEL1-TNFRSF6B readthrough (NMD candidate); plus strand). Cytogenetic location: 20q13.33.
Variant type: single nucleotide variant.
Coding change: c.2142-3C>T on transcript NM_001283009.2 (MANE Select); 3 bases into the intron before coding-DNA position 2142, C replaced by T.
Molecular consequence: intron variant.
Genome position (GRCh38, 1-based): chr20:63,690,084, C>T. VCF-style: chr20-63690084-C-T. GRCh37 (hg19) VCF-style: chr20-62321437-C-T.
Other names: c.1473-3C>T (NM_001283010.1); c.2214-3C>T (NM_032957.5); c.2142-3C>T (NM_016434.4).
Identifiers: ClinVar variation 3761913 (VCV003761913.2).

ClinVar aggregate classification (germline): Uncertain significance (1 of 4 stars; one submission).

Conditions:
Pulmonary fibrosis and/or bone marrow failure, Telomere-related, 3. Also called: PULMONARY FIBROSIS AND/OR BONE MARROW FAILURE SYNDROME, TELOMERE-RELATED, 3. Identifiers: Orphanet 2032, MedGen C4225346, MONDO:0014613, OMIM 616373.
Dyskeratosis congenita, autosomal recessive 5 (DKCB5). Identifiers: MedGen C3554656, MONDO:0014076, OMIM 615190.

Submission:

Labcorp Genetics (formerly Invitae), Labcorp
Classification: Uncertain significance for Dyskeratosis congenita, autosomal recessive 5; Pulmonary fibrosis and/or bone marrow failure, Telomere-related, 3. Last evaluated: 2025-10-01. Review status: criteria provided, single submitter. Criteria: Invitae Variant Classification Sherloc (09022015). Collection method: clinical testing. Allele origin: germline.
Comment: This sequence change falls in intron 24 of the RTEL1 gene. It does not directly change the encoded amino acid sequence of the RTEL1 protein. It affects a nucleotide within the consensus splice site. The frequency data for this variant in the population databases is considered unreliable, as metrics indicate poor data quality at this position in the gnomAD database. This variant has not been reported in the literature in individuals affected with RTEL1-related conditions. ClinVar contains an entry for this variant (Variation ID: 3761913). Variants that disrupt the consensus splice site are a relatively common cause of aberrant splicing (PMID: 17576681, 9536098). Algorithms developed to predict the effect of sequence changes on RNA splicing suggest that this variant is not likely to affect RNA splicing. In summary, the available evidence is currently insufficient to determine the role of this variant in disease. Therefore, it has been classified as a Variant of Uncertain Significance.

Literature cited by the submitters: PubMed 17576681; PubMed 9536098.